The following is an entry in ClinVar:

NM_001199138.2(NLRC4):c.1683A>G (p.Leu561=)

Gene: NLRC4 (NLR family CARD domain containing 4; minus strand). Cytogenetic location: 2p22.3.
Variant type: single nucleotide variant.
Coding change: c.1683A>G on transcript NM_001199138.2 (MANE Select); coding-DNA position 1683, A replaced by G.
Protein change: p.Leu561=; no amino-acid change (leucine 561 retained).
Molecular consequence: synonymous variant. On other transcripts: intron variant (1).
Genome position (GRCh38, 1-based): chr2:32,250,181, T>C on the plus strand (A>G on the coding strand, the complement: NLRC4 is on the minus strand). VCF-style: chr2-32250181-T-C. GRCh37 (hg19) VCF-style: chr2-32475250-T-C.
Other names: c.1683A>G, p.Leu561= (NM_001199139.2, NM_021209.5); c.262+2238A>G (NM_001302504.1).
Identifiers: ClinVar variation 542051 (VCV000542051.40), dbSNP rs148632046, ClinGen allele CA1601945.

ClinVar aggregate classification (germline): Benign/Likely benign. Review status: criteria provided, multiple submitters, no conflicts (2 of 4 stars). 6 submissions from 6 submitters: Benign (3); Likely benign (2). 1 of the submissions does not count toward it. Last evaluated 2026-01-24.

Conditions:
NLRC4-related disorder. Also called: NLRC4-related condition.
Autoinflammatory syndrome. Identifiers: Orphanet 93665, MedGen C3890737, MONDO:0019751.
Periodic fever-infantile enterocolitis-autoinflammatory syndrome. Also called: Autoinflammation with infantile enterocolitis. Identifiers: Orphanet 436166, MedGen C4015067, MONDO:0014472, OMIM 616050.
Familial cold autoinflammatory syndrome 4 (FCAS4). Identifiers: Orphanet 47045, Orphanet 576349, MedGen C4015276, MONDO:0014498, OMIM 616115.

Allele frequency attached by ClinVar (database versions not stated): ExAC 0.00059; 1000 Genomes Project 30x 0.00109; gnomAD 0.00195 and 0.00179; 1000 Genomes Project 0.00140; TOPMed 0.00201; ESP Exome Variant Server 0.00231.
gnomAD v4.1: 567 of 1,614,254 alleles (0.035%); highest among the groups gnomAD compares: African/African-American, 0.64%; 4 homozygotes.

Submissions (6):

Labcorp Genetics (formerly Invitae), Labcorp
Classification: Benign for Periodic fever-infantile enterocolitis-autoinflammatory syndrome; Familial cold autoinflammatory syndrome 4. Last evaluated: 2026-01-24. Review status: criteria provided, single submitter. Criteria: Invitae Variant Classification Sherloc (09022015). Collection method: clinical testing. Allele origin: germline.

Women's Health and Genetics/Laboratory Corporation of America, LabCorp
Classification: Benign. Last evaluated: 2025-11-11. Review status: criteria provided, single submitter. Criteria: LabCorp Variant Classification Summary - May 2015. Collection method: clinical testing. Allele origin: germline.

Blueprint Genetics
Classification: Likely benign. Last evaluated: 2024-11-13. Review status: criteria provided, single submitter. Criteria: ACMG Guidelines, 2015. Collection method: clinical testing. Allele origin: germline.

CeGaT Center for Human Genetics Tuebingen
Classification: Benign. Last evaluated: 2023-03-01. Review status: criteria provided, single submitter. Criteria: CeGaT Center For Human Genetics Tuebingen Variant Classification Criteria Version 2. Collection method: clinical testing. Allele origin: germline. Affected: yes. Observed: 1 variant allele.
Comment: NLRC4: BP4, BP7, BS1, BS2

Genome Diagnostics Laboratory, The Hospital for Sick Children
Classification: Likely benign for Autoinflammatory syndrome. Last evaluated: 2021-07-02. Review status: criteria provided, single submitter. Criteria: ACMG Guidelines, 2015. Collection method: clinical testing. Allele origin: germline. Affected: yes.

PreventionGenetics, part of Exact Sciences
Classification: Benign for NLRC4-related condition. Last evaluated: 2019-11-12. Review status: no assertion criteria provided. Collection method: clinical testing. Allele origin: germline. Not counted in ClinVar's aggregate classification.
Comment: This variant is classified as benign based on ACMG/AMP sequence variant interpretation guidelines (Richards et al. 2015 PMID: 25741868, with internal and published modifications).